The following is an entry in ClinVar:

ClinVar aggregate classification (germline): Uncertain significance (1 of 4 stars; one submission).

gnomAD v4.1: 2 of 1,613,494 alleles (0.00012%); highest among the groups gnomAD compares: Non-Finnish European, 0.00017%; no homozygotes.

Submission:

GeneDx
Classification: Uncertain significance. Last evaluated: 2024-02-05. Review status: criteria provided, single submitter. Criteria: GeneDx Variant Classification Process June 2021. Collection method: clinical testing. Allele origin: germline. Affected: yes.
Comment: Not observed at significant frequency in large population cohorts (gnomAD); In silico analysis supports a deleterious effect on splicing; In silico analysis supports that this missense variant does not alter protein structure/function; Has not been previously published as pathogenic or benign to our knowledge

NM_001127222.2(CACNA1A):c.4793G>A (p.Arg1598Gln)

Gene: CACNA1A (calcium voltage-gated channel subunit alpha1 A; minus strand). Cytogenetic location: 19p13.13.
Variant type: single nucleotide variant.
Coding change: c.4793G>A on transcript NM_001127222.2 (MANE Select); coding-DNA position 4793, G replaced by A.
Protein change: p.Arg1598Gln; replaces arginine 1598 with glutamine.
Molecular consequence: missense variant.
Genome position (GRCh38, 1-based): chr19:13,253,064, C>T on the plus strand (G>A on the coding strand, the complement: CACNA1A is on the minus strand). VCF-style: chr19-13253064-C-T. GRCh37 (hg19) VCF-style: chr19-13363878-C-T.
Other names: c.4805G>A, p.Arg1602Gln (NM_000068.4, NM_023035.3); c.4796G>A, p.Arg1599Gln (NM_001127221.2, NM_001174080.2); short protein forms R1598Q, R1599Q, R1602Q.
Identifiers: ClinVar variation 3368656 (VCV003368656.1).